The following is an entry in ClinVar:

NM_002471.4(MYH6):c.5136C>A (p.Ser1712Arg)

Genes: MYH6 (myosin heavy chain 6; minus strand), LOC126861896 (BRD4-independent group 4 enhancer GRCh37_chr14:23854904-23856103; plus strand). Cytogenetic location: 14q11.2.
Variant type: single nucleotide variant.
Coding change: c.5136C>A on transcript NM_002471.4 (MANE Select); coding-DNA position 5136, C replaced by A.
Protein change: p.Ser1712Arg; replaces serine 1712 with arginine.
Molecular consequence: missense variant.
Genome position (GRCh38, 1-based): chr14:23,385,955, G>T on the plus strand (C>A on the coding strand, the complement: MYH6 is on the minus strand). VCF-style: chr14-23385955-G-T. GRCh37 (hg19) VCF-style: chr14-23855164-G-T.
Other names: short protein forms S1712R.
Identifiers: ClinVar variation 1304949 (VCV001304949.4), dbSNP rs397516774, ClinGen allele CA257778390.

ClinVar aggregate classification (germline): Uncertain significance (1 of 4 stars; one submission).

gnomAD v4.1: 1 of 1,614,164 alleles (0.000062%); highest among the groups gnomAD compares: Non-Finnish European, 0.000085%; no homozygotes.

Submission:

GeneDx
Classification: Uncertain significance. Last evaluated: 2023-08-09. Review status: criteria provided, single submitter. Criteria: GeneDx Variant Classification Process June 2021. Collection method: clinical testing. Allele origin: germline. Affected: yes.
Comment: Has not been previously published as pathogenic or benign to our knowledge; Not observed in large population cohorts (gnomAD); In silico analysis supports that this missense variant has a deleterious effect on protein structure/function